The following is an entry in ClinVar:

ClinVar aggregate classification (germline): Likely benign (0 of 4 stars; one submission).

Conditions:
PLEC-related disorder. Also called: PLEC-related condition; PLEC-related disorders.

gnomAD v4.1: 1 of 1,612,562 alleles (0.000062%); highest among the groups gnomAD compares: South Asian, 0.0011%; no homozygotes.

Submission:

PreventionGenetics, part of Exact Sciences
Classification: Likely benign for PLEC-related condition. Last evaluated: 2024-08-26. Review status: no assertion criteria provided. Collection method: clinical testing. Allele origin: germline.
Comment: This variant is classified as likely benign based on ACMG/AMP sequence variant interpretation guidelines (Richards et al. 2015 PMID: 25741868, with internal and published modifications).

NM_201384.3(PLEC):c.1620T>C (p.Asp540=)

Gene: PLEC (plectin; minus strand). Cytogenetic location: 8q24.3.
Variant type: single nucleotide variant.
Coding change: c.1620T>C on transcript NM_201384.3 (MANE Select); coding-DNA position 1620, T replaced by C.
Protein change: p.Asp540=; no amino-acid change (aspartic acid 540 retained).
Molecular consequence: synonymous variant.
Genome position (GRCh38, 1-based): chr8:143,932,910, A>G on the plus strand (T>C on the coding strand, the complement: PLEC is on the minus strand). VCF-style: chr8-143932910-A-G. GRCh37 (hg19) VCF-style: chr8-145007078-A-G.
Other names: c.1701T>C, p.Asp567= (NM_000445.5, NM_001410941.1); c.1578T>C, p.Asp526= (NM_201378.4); c.1554T>C, p.Asp518= (NM_201379.3); c.2031T>C, p.Asp677= (NM_201380.4); c.1524T>C, p.Asp508= (NM_201381.3); c.1620T>C, p.Asp540= (NM_201382.4); c.1632T>C, p.Asp544= (NM_201383.3).
Identifiers: ClinVar variation 3357436 (VCV003357436.1).